The following is an entry in ClinVar:

ClinVar aggregate classification (germline): Likely benign. Review status: criteria provided, multiple submitters, no conflicts (2 of 4 stars). 2 submissions from 2 submitters: Likely benign (2). Last evaluated 2026-09-01.

Conditions:
Kabuki syndrome. Also called: NIIKAWA-KUROKI SYNDROME; Kabuki make-up syndrome. Identifiers: Orphanet 2322, MedGen C0796004, MONDO:0016512.

Allele frequency attached by ClinVar (database versions not stated): gnomAD 0.00001; gnomAD exomes 0.00003 and 0.00005; TOPMed 0.00003; ExAC 0.00008; ESP Exome Variant Server 0.00008.
gnomAD v4.1: 41 of 1,613,930 alleles (0.0025%); highest among the groups gnomAD compares: Middle Eastern, 0.016%; no homozygotes.

Submissions (2):

CeGaT Center for Human Genetics Tuebingen
Classification: Likely benign. Last evaluated: 2026-09-01. Review status: criteria provided, single submitter. Criteria: CeGaT Center For Human Genetics Tuebingen Variant Classification Criteria Version 2. Collection method: clinical testing. Allele origin: germline. Affected: yes. Observed: 2 variant alleles.
Comment: KMT2D: BP4, BS2

Labcorp Genetics (formerly Invitae), Labcorp
Classification: Likely benign for Kabuki syndrome. Last evaluated: 2024-09-16. Review status: criteria provided, single submitter. Criteria: Invitae Variant Classification Sherloc (09022015). Collection method: clinical testing. Allele origin: germline.

NM_003482.4(KMT2D):c.983C>T (p.Ala328Val)

Gene: KMT2D (lysine methyltransferase 2D; minus strand). Cytogenetic location: 12q13.12.
Variant type: single nucleotide variant.
Coding change: c.983C>T on transcript NM_003482.4 (MANE Select); coding-DNA position 983, C replaced by T.
Protein change: p.Ala328Val; replaces alanine 328 with valine.
Molecular consequence: missense variant.
Genome position (GRCh38, 1-based): chr12:49,053,044, G>A on the plus strand (C>T on the coding strand, the complement: KMT2D is on the minus strand). VCF-style: chr12-49053044-G-A. GRCh37 (hg19) VCF-style: chr12-49446827-G-A.
Other names: short protein forms A328V.
Identifiers: ClinVar variation 1596943 (VCV001596943.22), dbSNP rs373271756, ClinGen allele CA6548602.